The following is an entry in ClinVar:

NM_000444.6(PHEX):c.572T>C (p.Leu191Pro)

Gene: PHEX (phosphate regulating endopeptidase X-linked; plus strand). Cytogenetic location: Xp22.11.
Variant type: single nucleotide variant.
Coding change: c.572T>C on transcript NM_000444.6 (MANE Select); coding-DNA position 572, T replaced by C.
Protein change: p.Leu191Pro; replaces leucine 191 with proline.
Molecular consequence: missense variant.
Genome position (GRCh38, 1-based): chrX:22,077,611, T>C. VCF-style: chrX-22077611-T-C. GRCh37 (hg19) VCF-style: chrX-22095729-T-C.
Other names: c.572T>C, p.Leu191Pro (NM_001282754.2); short protein forms L191P.
Identifiers: ClinVar variation 1929564 (VCV001929564.5), dbSNP rs2519754339, ClinGen allele CA412571514.

ClinVar aggregate classification (germline): Pathogenic (1 of 4 stars; one submission).

Submission:

Labcorp Genetics (formerly Invitae), Labcorp
Classification: Pathogenic. Last evaluated: 2022-10-04. Review status: criteria provided, single submitter. Criteria: Invitae Variant Classification Sherloc (09022015). Collection method: clinical testing. Allele origin: germline.
Comment: This missense change has been observed in individual(s) with hypophosphatemic rickets (PMID: 32253725). In at least one individual the variant was observed to be de novo. This variant is not present in population databases (gnomAD no frequency). This sequence change replaces leucine, which is neutral and non-polar, with proline, which is neutral and non-polar, at codon 191 of the PHEX protein (p.Leu191Pro). Advanced modeling of protein sequence and biophysical properties (such as structural, functional, and spatial information, amino acid conservation, physicochemical variation, residue mobility, and thermodynamic stability) performed at Invitae indicates that this missense variant is expected to disrupt PHEX protein function. For these reasons, this variant has been classified as Pathogenic.

Literature cited by the submitters: PubMed 32253725.